The following is an entry in ClinVar:

ClinVar aggregate classification (germline): Uncertain significance (1 of 4 stars; one submission).

Conditions:
Cardiovascular phenotype. Identifiers: MedGen CN230736.

Submission:

Ambry Genetics
Classification: Uncertain significance for Cardiovascular phenotype. Last evaluated: 2025-01-06. Review status: criteria provided, single submitter. Criteria: Ambry Variant Classification Scheme 2023. Collection method: clinical testing. Allele origin: germline.
Comment: The p.I1360T variant (also known as c.4079T>C), located in coding exon 23 of the DSP gene, results from a T to C substitution at nucleotide position 4079. The isoleucine at codon 1360 is replaced by threonine, an amino acid with similar properties. This amino acid position is conserved. In addition, the in silico prediction for this alteration is inconclusive. Based on the available evidence, the clinical significance of this variant remains unclear.

NM_004415.4(DSP):c.4079T>C (p.Ile1360Thr)

Gene: DSP (desmoplakin; plus strand). Cytogenetic location: 6p24.3.
Variant type: single nucleotide variant.
Coding change: c.4079T>C on transcript NM_004415.4 (MANE Select); coding-DNA position 4079, T replaced by C.
Protein change: p.Ile1360Thr; replaces isoleucine 1360 with threonine.
Molecular consequence: missense variant. On other transcripts: intron variant (2).
Genome position (GRCh38, 1-based): chr6:7,580,269, T>C. VCF-style: chr6-7580269-T-C. GRCh37 (hg19) VCF-style: chr6-7580502-T-C.
Other names: c.4050+29T>C (NM_001319034.2); c.3582+497T>C (NM_001008844.3); short protein forms I1360T.
Identifiers: ClinVar variation 3842691 (VCV003842691.1).